The following is an entry in ClinVar:

ClinVar aggregate classification (germline): Uncertain significance (1 of 4 stars; one submission).

Allele frequency attached by ClinVar (database versions not stated): TOPMed below 0.00001.

Submission:

Women's Health and Genetics/Laboratory Corporation of America, LabCorp
Classification: Uncertain significance. Last evaluated: 2024-02-15. Review status: criteria provided, single submitter. Criteria: LabCorp Variant Classification Summary - May 2015. Collection method: clinical testing. Allele origin: germline.
Comment: Variant summary: HDAC6 c.681G>C (p.Met227Ile) results in a conservative amino acid change located in the Histone deacetylase domain (IPR023801) of the encoded protein sequence. Four of five in-silico tools predict a benign effect of the variant on protein function. The variant was absent in 175522 control chromosomes (gnomAD). The available data on variant occurrences in the general population are insufficient to allow any conclusion about variant significance. To our knowledge, no occurrence of c.681G>C in individuals affected with X-Linked Dominant Chondrodysplasia, Chassaing-Lacombe Type and no experimental evidence demonstrating its impact on protein function have been reported. No submitters have cited clinical-significance assessments for this variant to ClinVar. Based on the evidence outlined above, the variant was classified as uncertain significance.

NM_006044.4(HDAC6):c.681G>C (p.Met227Ile)

Gene: HDAC6 (histone deacetylase 6; plus strand). Cytogenetic location: Xp11.23.
Variant type: single nucleotide variant.
Coding change: c.681G>C on transcript NM_006044.4 (MANE Select); coding-DNA position 681, G replaced by C.
Protein change: p.Met227Ile; replaces methionine 227 with isoleucine.
Molecular consequence: missense variant. On other transcripts: non-coding transcript variant (2).
Genome position (GRCh38, 1-based): chrX:48,808,081, G>C. VCF-style: chrX-48808081-G-C. GRCh37 (hg19) VCF-style: chrX-48666488-G-C.
Other names: c.723G>C, p.Met241Ile (NM_001321225.2); c.681G>C, p.Met227Ile (NM_001321226.2, NM_001321227.2, NM_001321228.2 and 1 more transcripts); short protein forms M227I, M241I.
Identifiers: ClinVar variation 3069053 (VCV003069053.2), dbSNP rs1856627037, ClinGen allele CA412875803.